The following is an entry in ClinVar:

NM_198578.4(LRRK2):c.2875C>G (p.Leu959Val)

Gene: LRRK2 (leucine rich repeat kinase 2; plus strand). Cytogenetic location: 12q12.
Variant type: single nucleotide variant.
Coding change: c.2875C>G on transcript NM_198578.4 (MANE Select); coding-DNA position 2875, C replaced by G.
Protein change: p.Leu959Val; replaces leucine 959 with valine.
Molecular consequence: missense variant.
Genome position (GRCh38, 1-based): chr12:40,294,911, C>G. VCF-style: chr12-40294911-C-G. GRCh37 (hg19) VCF-style: chr12-40688713-C-G.
Other names: short protein forms L959V.
Identifiers: ClinVar variation 1797092 (VCV001797092.7), dbSNP rs781399572, ClinGen allele CA6513761.
Genomic context (GRCh38, chr12:40,294,911, plus strand): 5'-ATTTTTGATCATGAAGATTTACTGAAGCGAAAAAGAAAAATATTATCTTCAGATGATTCA[C>G]TCAGTAAGTATTTGGATGTAATCATAAGTAAATAGATATTTTGGGCAGAATGCAGTGTTT-3'
Protein context (NP_940980.4, residues 949-969): KRKILSSDDS[Leu959Val]RSSKLQSHMR

ClinVar aggregate classification (germline): Uncertain significance. Review status: criteria provided, multiple submitters, no conflicts (2 of 4 stars). 2 submissions from 2 submitters: Uncertain significance (2). Last evaluated 2024-03-13.

Conditions:
Autosomal dominant Parkinson disease 8. Also called: Parkinson disease 8, susceptibility to; LRRK2-Related Parkinson Disease; Parkinson disease 8. Identifiers: Orphanet 411602, MedGen C1846862, MONDO:0011764, OMIM 607060.
Inborn genetic diseases. Identifiers: MedGen C0950123, MeSH D030342.

Allele frequency attached by ClinVar (database versions not stated): ExAC 0.00001; gnomAD 0.00002.
gnomAD v4.1: 5 of 1,518,822 alleles (0.00033%); highest among the groups gnomAD compares: Admixed American, 0.0017%; no homozygotes.

Submissions (2):

Ambry Genetics
Classification: Uncertain significance for Inborn genetic diseases. Last evaluated: 2024-03-13. Review status: criteria provided, single submitter. Criteria: Ambry Variant Classification Scheme 2023. Collection method: clinical testing. Allele origin: germline.
Comment: The p.L959V variant (also known as c.2875C>G), located in coding exon 22 of the LRRK2 gene, results from a C to G substitution at nucleotide position 2875. The leucine at codon 959 is replaced by valine, an amino acid with highly similar properties. This amino acid position is conserved. In addition, this alteration is predicted to be tolerated by in silico analysis. Since supporting evidence is limited at this time, the clinical significance of this alteration remains unclear.

Labcorp Genetics (formerly Invitae), Labcorp
Classification: Uncertain significance for Autosomal dominant Parkinson disease 8. Last evaluated: 2022-08-19. Review status: criteria provided, single submitter. Criteria: Invitae Variant Classification Sherloc (09022015). Collection method: clinical testing. Allele origin: germline.
Comment: Algorithms developed to predict the effect of missense changes on protein structure and function output the following: SIFT: "Tolerated"; PolyPhen-2: "Benign"; Align-GVGD: "Class C0". The valine amino acid residue is found in multiple mammalian species, which suggests that this missense change does not adversely affect protein function. This sequence change replaces leucine, which is neutral and non-polar, with valine, which is neutral and non-polar, at codon 959 of the LRRK2 protein (p.Leu959Val). This variant is present in population databases (rs781399572, gnomAD 0.003%). This variant has not been reported in the literature in individuals affected with LRRK2-related conditions. In summary, the available evidence is currently insufficient to determine the role of this variant in disease. Therefore, it has been classified as a Variant of Uncertain Significance.